The following is an entry in ClinVar:

ClinVar aggregate classification (germline): Likely benign (1 of 4 stars; one submission).

Allele frequency attached by ClinVar (database versions not stated): TOPMed 0.00008; ExAC 0.00013; gnomAD 0.00013; gnomAD exomes 0.00016; ESP Exome Variant Server 0.00028.
gnomAD v4.1: 187 of 1,198,630 alleles (0.016%); highest among the groups gnomAD compares: Non-Finnish European, 0.02%; no homozygotes.

Submission:

CeGaT Center for Human Genetics Tuebingen
Classification: Likely benign. Last evaluated: 2022-11-01. Review status: criteria provided, single submitter. Criteria: CeGaT Center For Human Genetics Tuebingen Variant Classification Criteria Version 2. Collection method: clinical testing. Allele origin: germline. Affected: yes. Observed: 1 variant allele.
Comment: UTP14A: BP4, BP7, BS2

NM_006649.4(UTP14A):c.1371G>A (p.Leu457=)

Genes: UTP14A (UTP14A small subunit processome component; plus strand), LOC105373335 (uncharacterized LOC105373335; minus strand). Cytogenetic location: Xq26.1.
Variant type: single nucleotide variant.
Coding change: c.1371G>A on transcript NM_006649.4 (MANE Select); coding-DNA position 1371, G replaced by A.
Protein change: p.Leu457=; no amino-acid change (leucine 457 retained).
Molecular consequence: synonymous variant.
Genome position (GRCh38, 1-based): chrX:129,924,817, G>A. VCF-style: chrX-129924817-G-A. GRCh37 (hg19) VCF-style: chrX-129058793-G-A.
Other names: c.1215G>A, p.Leu405= (NM_001166221.2).
Identifiers: ClinVar variation 2661406 (VCV002661406.24), dbSNP rs373160231, ClinGen allele CA10513889.
Genomic context (GRCh38, chrX:129,924,817, plus strand): 5'-CCTCATTTTCTGACAGTTTTCATTCTTTTTTCCCCCAGATTCTGGCAGCCAGGAGGTGCT[G>A]TCTGAATTGAGAGTACTATCTCAGAAATTGAAGGAAAACCATCAGTCCAGGAAGCAAAAA-3'
Protein context (NP_006640.2, residues 447-467): ETKDSGSQEV[Leu457=]SELRVLSQKL